The following is an entry in ClinVar:

ClinVar aggregate classification (germline): Uncertain significance (1 of 4 stars; one submission).

Conditions:
Joubert syndrome. Also called: Familial aplasia of the vermis; CEREBELLOPARENCHYMAL DISORDER IV; JOUBERT-BOLTSHAUSER SYNDROME. Identifiers: Orphanet 475, MedGen C5979921, MONDO:0018772.
Meckel-Gruber syndrome. Also called: Dysencephalia splachnocystica; DYSENCEPHALIA SPLANCHNOCYSTICA; GRUBER SYNDROME. Identifiers: Orphanet 564, MedGen C0265215, MONDO:0018921.

Allele frequency attached by ClinVar (database versions not stated): gnomAD exomes below 0.00001 and 0.00001; gnomAD 0.00001; TOPMed 0.00001.
gnomAD v4.1: 7 of 1,614,080 alleles (0.00043%); highest among the groups gnomAD compares: African/African-American, 0.008%; no homozygotes.

Submission:

Labcorp Genetics (formerly Invitae), Labcorp
Classification: Uncertain significance for Joubert syndrome; Meckel-Gruber syndrome. Last evaluated: 2022-05-28. Review status: criteria provided, single submitter. Criteria: Invitae Variant Classification Sherloc (09022015). Collection method: clinical testing. Allele origin: germline.
Comment: In summary, the available evidence is currently insufficient to determine the role of this variant in disease. Therefore, it has been classified as a Variant of Uncertain Significance. Variants that disrupt the consensus splice site are a relatively common cause of aberrant splicing (PMID: 17576681, 9536098). Algorithms developed to predict the effect of sequence changes on RNA splicing suggest that this variant is not likely to affect RNA splicing. ClinVar contains an entry for this variant (Variation ID: 1047565). This variant has not been reported in the literature in individuals affected with TCTN1-related conditions. This variant is present in population databases (no rsID available, gnomAD 0.02%). This sequence change falls in intron 13 of the TCTN1 gene. It does not directly change the encoded amino acid sequence of the TCTN1 protein. It affects a nucleotide within the consensus splice site.

Literature cited by the submitters: PubMed 17576681; PubMed 9536098.

NM_001082538.3(TCTN1):c.1636-3C>T

Gene: TCTN1 (tectonic family member 1; plus strand). Cytogenetic location: 12q24.11.
Variant type: single nucleotide variant.
Coding change: c.1636-3C>T on transcript NM_001082538.3 (MANE Select); 3 bases into the intron before coding-DNA position 1636, C replaced by T.
Molecular consequence: intron variant.
Genome position (GRCh38, 1-based): chr12:110,647,746, C>T. VCF-style: chr12-110647746-C-T. GRCh37 (hg19) VCF-style: chr12-111085551-C-T.
Other names: c.1453-3C>T (NM_001173975.3); c.1309-3C>T (NM_001173976.2); c.1087-3C>T (NM_001319681.2); c.1579-3C>T (NM_024549.6); c.1621-3C>T (NM_001082537.3); c.1474-3C>T (NM_001319680.2).
Identifiers: ClinVar variation 1047565 (VCV001047565.7), dbSNP rs1456445051, ClinGen allele CA607326533.